The following is an entry in ClinVar:

ClinVar aggregate classification (germline): Uncertain significance (1 of 4 stars; one submission).

gnomAD v4.1: 1 of 1,614,188 alleles (0.000062%); highest among the groups gnomAD compares: Non-Finnish European, 0.000085%; no homozygotes.

Submission:

Labcorp Genetics (formerly Invitae), Labcorp
Classification: Uncertain significance. Last evaluated: 2025-02-10. Review status: criteria provided, single submitter. Criteria: Invitae Variant Classification Sherloc (09022015). Collection method: clinical testing. Allele origin: germline.
Comment: This sequence change replaces phenylalanine, which is neutral and non-polar, with serine, which is neutral and polar, at codon 461 of the CFI protein (p.Phe461Ser). This variant is not present in population databases (gnomAD no frequency). This variant has not been reported in the literature in individuals affected with CFI-related conditions. Invitae Evidence Modeling of protein sequence and biophysical properties (such as structural, functional, and spatial information, amino acid conservation, physicochemical variation, residue mobility, and thermodynamic stability) indicates that this missense variant is expected to disrupt CFI protein function with a positive predictive value of 80%. In summary, the available evidence is currently insufficient to determine the role of this variant in disease. Therefore, it has been classified as a Variant of Uncertain Significance.

NM_000204.5(CFI):c.1382T>C (p.Phe461Ser)

Gene: CFI (complement factor I; minus strand). Cytogenetic location: 4q25.
Variant type: single nucleotide variant.
Coding change: c.1382T>C on transcript NM_000204.5 (MANE Select); coding-DNA position 1382, T replaced by C.
Protein change: p.Phe461Ser; replaces phenylalanine 461 with serine.
Molecular consequence: missense variant. On other transcripts: non-coding transcript variant (2).
Genome position (GRCh38, 1-based): chr4:109,746,269, A>G on the plus strand (T>C on the coding strand, the complement: CFI is on the minus strand). VCF-style: chr4-109746269-A-G. GRCh37 (hg19) VCF-style: chr4-110667425-A-G.
Other names: c.1406T>C, p.Phe469Ser (NM_001318057.2, NM_001375278.1); c.1361T>C, p.Phe454Ser (NM_001331035.2, NM_001375280.1, NM_001375282.1); c.1382T>C, p.Phe461Ser (NM_001375279.1, NM_001375281.1); c.1325T>C, p.Phe442Ser (NM_001375283.1); c.773T>C, p.Phe258Ser (NM_001375284.1); short protein forms F454S, F461S, F258S, F442S, F469S.
Identifiers: ClinVar variation 3657325 (VCV003657325.2).